The following is an entry in ClinVar:

NM_022124.6(CDH23):c.3211G>A (p.Glu1071Lys)

Gene: CDH23 (cadherin related 23; plus strand). Cytogenetic location: 10q22.1.
Variant type: single nucleotide variant.
Coding change: c.3211G>A on transcript NM_022124.6 (MANE Select); coding-DNA position 3211, G replaced by A.
Protein change: p.Glu1071Lys; replaces glutamic acid 1071 with lysine.
Molecular consequence: missense variant.
Genome position (GRCh38, 1-based): chr10:71,709,202, G>A. VCF-style: chr10-71709202-G-A. GRCh37 (hg19) VCF-style: chr10-73468959-G-A.
Other names: NM_022124.4:c.3211G>A; c.3211G>A, p.Glu1071Lys (NM_001171930.2); short protein forms E1071K.
Identifiers: ClinVar variation 1334115 (VCV001334115.3), dbSNP rs2132751512, ClinGen allele CA377143425.

ClinVar aggregate classification (germline): Pathogenic/Likely pathogenic. Review status: criteria provided, multiple submitters, no conflicts (2 of 4 stars). 2 submissions from 2 submitters: Pathogenic (1); Likely pathogenic (1). Last evaluated 2024-05-14.

Conditions:
Usher syndrome. Also called: Usher's syndrome; Usher Syndromes. Identifiers: Orphanet 886, MedGen CN469326, MeSH D052245, MONDO:0019501. Disease mechanism: loss of function.
Autosomal recessive nonsyndromic hearing loss 12. Also called: DEAFNESS, AUTOSOMAL RECESSIVE 12. Identifiers: Orphanet 90636, MedGen C1832394, MONDO:0011067, OMIM 601386.

Submissions (2):

Women's Health and Genetics/Laboratory Corporation of America, LabCorp
Classification: Pathogenic for Usher syndrome. Last evaluated: 2024-05-14. Review status: criteria provided, single submitter. Criteria: LabCorp Variant Classification Summary - May 2015. Collection method: clinical testing. Allele origin: germline.
Comment: Variant summary: CDH23 c.3211G>A (p.Glu1071Lys) results in a conservative amino acid change in the encoded protein sequence. Three of five in-silico tools predict a damaging effect of the variant on protein function. The variant was absent in 248434 control chromosomes. c.3211G>A has been reported in the literature in multiple homozygous or compound heterozygous individuals affected with Deafness (Abu Rayyan_2020). These data indicate that the variant is very likely to be associated with disease. The following publication has been ascertained in the context of this evaluation (PMID: 32747562). ClinVar contains an entry for this variant (Variation ID: 1334115). Based on the evidence outlined above, the variant was classified as pathogenic.

King Laboratory, University of Washington
Classification: Likely pathogenic for Autosomal recessive nonsyndromic hearing loss 12. Last evaluated: 2020-08-01. Review status: criteria provided, single submitter. Criteria: Abu Rayyan A et al. (Proc Natl Acad Sci U S A 2020). Collection method: research. Allele origin: germline. Affected: yes.
Comment: CDH23 c.3211G>A, p.E1071K alters a highly conserved residue of CDH23. The variant is homozygous in 3 children from 2 Palestinian families with moderate pre-lingual hearing loss (Abu Rayyan 2020). It was found also in 6 Palestinian children in compound heterozygosity with CDH23 c.1675C>T. The variant is absent from 1300 Palestinian controls and from gnomAD v2.1.1.

Literature cited by the submitters: PubMed 32747562 (cited by Women's Health and Genetics/Laboratory Corporation of America, LabCorp).